The following is an entry in ClinVar:

ClinVar aggregate classification (germline): Uncertain significance (0 of 4 stars; one submission).

Allele frequency attached by ClinVar (database versions not stated): gnomAD exomes below 0.00001; TOPMed below 0.00001; gnomAD 0.00001.
gnomAD v4.1: 2 of 1,505,038 alleles (0.00013%); highest among the groups gnomAD compares: Non-Finnish European, 0.00018%; no homozygotes.

Submission:

Genetic Services Laboratory, University of Chicago
Classification: Uncertain significance. Last evaluated: 2022-05-18. Review status: no assertion criteria provided. Collection method: clinical testing. Allele origin: germline. Affected: no.
Comment: DNA sequence analysis of the NAF1 gene demonstrated a sequence change, c.1462T>C, in exon 8 that results in an amino acid change, p.Ser488Pro. This sequence change does not appear to have been previously described in individuals with NAF1-related disorders and has also not been described in population databases such as ExAC and gnomAD. The p.Ser488Pro change affects a moderately conserved amino acid residue located in a domain of the NAF1 protein that is not known to be functional. The p.Ser488Pro substitution appears to be benign using several in-silico pathogenicity prediction tools (SIFT, PolyPhen2, Align GVGD, REVEL). Due to insufficient evidences and the lack of functional studies, the clinical significance of the p.Ser488Pro change remains unknown at this time.

NM_138386.3(NAF1):c.1462T>C (p.Ser488Pro)

Gene: NAF1 (nuclear assembly factor 1 ribonucleoprotein; minus strand). Cytogenetic location: 4q32.2.
Variant type: single nucleotide variant.
Coding change: c.1462T>C on transcript NM_138386.3 (MANE Select); coding-DNA position 1462, T replaced by C.
Protein change: p.Ser488Pro; replaces serine 488 with proline.
Molecular consequence: missense variant. On other transcripts: intron variant (1).
Genome position (GRCh38, 1-based): chr4:163,128,920, A>G on the plus strand (T>C on the coding strand, the complement: NAF1 is on the minus strand). VCF-style: chr4-163128920-A-G. GRCh37 (hg19) VCF-style: chr4-164050072-A-G.
Other names: c.1034-1805T>C (NM_001128931.2); short protein forms S488P.
Identifiers: ClinVar variation 2443186 (VCV002443186.2), dbSNP rs1730751955, ClinGen allele CA358662573.
Genomic context (GRCh38, chr4:163,128,920, plus strand): 5'-ATGAAAAGTCCACATTTCTCTGGAAATGCATAGTCACCTAATAGTAAGGTCCAAAATGAG[A>G]ATTACTATCTCCAGAAGAGGGTGGAGGAGGCAGTGGTGGAGGGGGAGGGGGTGGGGGTAG-3'
Protein context (NP_612395.2, residues 478-494): PPPPSSGDSN[Ser488Pro]HFGPYY